The following is an entry in ClinVar:

NM_004370.6(COL12A1):c.5411G>A (p.Arg1804Gln)

Gene: COL12A1 (collagen type XII alpha 1 chain; minus strand). Cytogenetic location: 6q13.
Variant type: single nucleotide variant.
Coding change: c.5411G>A on transcript NM_004370.6 (MANE Select); coding-DNA position 5411, G replaced by A.
Protein change: p.Arg1804Gln; replaces arginine 1804 with glutamine.
Molecular consequence: missense variant.
Genome position (GRCh38, 1-based): chr6:75,134,839, C>T on the plus strand (G>A on the coding strand, the complement: COL12A1 is on the minus strand). VCF-style: chr6-75134839-C-T. GRCh37 (hg19) VCF-style: chr6-75844555-C-T.
Other names: c.1919G>A, p.Arg640Gln (NM_080645.3); short protein forms R1804Q, R640Q.
Identifiers: ClinVar variation 663815 (VCV000663815.24), dbSNP rs200091648, ClinGen allele CA3893133.

ClinVar aggregate classification (germline): Conflicting classifications of pathogenicity. Review status: criteria provided, conflicting classifications (1 of 4 stars). 6 submissions from 6 submitters: Uncertain significance (5); Likely benign (1). Last evaluated 2026-05-19.

Conditions:
COL12A1-related disorder. Also called: COL12A1-related condition.
Ullrich congenital muscular dystrophy 2 (UCMD2). Identifiers: Orphanet 75840, MedGen C4225314, MONDO:0014654, OMIM 616470.
Bethlem myopathy 2 (BTHLM2). Identifiers: Orphanet 536516, Orphanet 610, MedGen C4225313, MONDO:0034022, OMIM 616471.

Allele frequency attached by ClinVar (database versions not stated): 1000 Genomes Project 30x 0.00016; ExAC 0.00016; TOPMed 0.00016; gnomAD 0.00017 and 0.00018; gnomAD exomes 0.00018; 1000 Genomes Project 0.00020; ESP Exome Variant Server 0.00033.
gnomAD v4.1: 412 of 1,611,132 alleles (0.026%); highest among the groups gnomAD compares: Non-Finnish European, 0.032%; no homozygotes.

Submissions (6):

PreventionGenetics, part of Exact Sciences
Classification: Uncertain significance for COL12A1-related condition. Last evaluated: 2026-05-19. Review status: criteria provided, single submitter. Criteria: ACMG Guidelines, 2015. Collection method: clinical testing. Allele origin: germline.
Comment: The COL12A1 c.5411G>A variant is predicted to result in the amino acid substitution p.Arg1804Gln. To our knowledge, this variant has not been reported in the literature. This variant is reported in 0.033% of alleles in individuals of European (Non-Finnish) descent in gnomAD. At this time, the clinical significance of this variant is uncertain due to the absence of conclusive functional and genetic evidence.

Women's Health and Genetics/Laboratory Corporation of America, LabCorp
Classification: Uncertain significance. Last evaluated: 2026-05-19. Review status: criteria provided, single submitter. Criteria: LabCorp Variant Classification Summary - May 2015. Collection method: clinical testing. Allele origin: germline.
Comment: Variant summary: COL12A1 c.5411G>A (p.Arg1804Gln) results in a conservative amino acid change in the encoded protein sequence. Algorithms developed to predict the effect of missense changes on protein structure and function all suggest that this variant is likely to be tolerated. The variant allele was found at a frequency of 0.00018 in 249296 control chromosomes. This frequency is not significantly higher than estimated for disease-causing variants in COL12A1, allowing no conclusion about variant significance. To our knowledge, no occurrence of c.5411G>A in individuals affected with COL12A1-related conditions and no experimental evidence demonstrating its impact on protein function have been reported. ClinVar contains an entry for this variant (Variation ID: 663815). Based on the evidence outlined above, the variant was classified as uncertain significance.

CeGaT Center for Human Genetics Tuebingen
Classification: Uncertain significance. Last evaluated: 2026-05-01. Review status: criteria provided, single submitter. Criteria: CeGaT Center For Human Genetics Tuebingen Variant Classification Criteria Version 2. Collection method: clinical testing. Allele origin: germline. Affected: yes. Observed: 1 variant allele.
Comment: COL12A1: PM2, BP4

Labcorp Genetics (formerly Invitae), Labcorp
Classification: Likely benign for Bethlem myopathy 2; Ullrich congenital muscular dystrophy 2. Last evaluated: 2026-01-13. Review status: criteria provided, single submitter. Criteria: Invitae Variant Classification Sherloc (09022015). Collection method: clinical testing. Allele origin: germline.

GeneDx
Classification: Uncertain significance. Last evaluated: 2024-07-16. Review status: criteria provided, single submitter. Criteria: GeneDx Variant Classification Process June 2021. Collection method: clinical testing. Allele origin: germline. Affected: yes.
Comment: In silico analysis indicates that this missense variant does not alter protein structure/function; Has not been previously published as pathogenic or benign to our knowledge

Fulgent Genetics
Classification: Uncertain significance for Ullrich congenital muscular dystrophy 2; Bethlem myopathy 2. Last evaluated: 2022-05-24. Review status: criteria provided, single submitter. Criteria: ACMG Guidelines, 2015. Collection method: clinical testing. Allele origin: unknown.